The following is an entry in ClinVar:

ClinVar aggregate classification (germline): Likely pathogenic (1 of 4 stars; one submission).

Conditions:
COL4A5-related disorder. Also called: COL4A5-related condition.

Submission:

PreventionGenetics, part of Exact Sciences
Classification: Likely pathogenic for COL4A5-related condition. Last evaluated: 2023-04-03. Review status: criteria provided, single submitter. Criteria: ACMG Guidelines, 2015. Collection method: clinical testing. Allele origin: germline.
Comment: The COL4A5 c.4829C>G variant is predicted to result in premature protein termination (p.Ser1610*). To our knowledge, this variant has not been reported in the literature or in a large population database, indicating this variant is rare. Nonsense variants in COL4A5 are expected to be pathogenic. This variant is interpreted as likely pathogenic.

NM_033380.3(COL4A5):c.4847C>G (p.Ser1616Ter)

Gene: COL4A5 (collagen type IV alpha 5 chain; plus strand). Cytogenetic location: Xq22.3.
Variant type: single nucleotide variant.
Coding change: c.4847C>G on transcript NM_033380.3 (MANE Select); coding-DNA position 4847, C replaced by G.
Protein change: p.Ser1616Ter; replaces serine 1616 with a stop codon.
Molecular consequence: nonsense.
Genome position (GRCh38, 1-based): chrX:108,695,292, C>G. VCF-style: chrX-108695292-C-G. GRCh37 (hg19) VCF-style: chrX-107938522-C-G.
Other names: c.4829C>G, p.Ser1610Ter (NM_000495.5); short protein forms S1610*, S1616*.
Identifiers: ClinVar variation 2633714 (VCV002633714.1), dbSNP rs750941179, ClinGen allele CA414132692.
Genomic context (GRCh38, chrX:108,695,292, plus strand): 5'-GGGTATTGCGGCACATTTTTCCTTGTCTTTTATAGCATACAAGTGCAGGGGCAGAAGGCT[C>G]AGGTCAAGCCCTAGCCTCCCCTGGTTCCTGCTTGGAAGAGTTTCGTTCAGCTCCCTTCAT-3'